The following is an entry in ClinVar:

ClinVar aggregate classification (germline): Pathogenic/Likely pathogenic. Review status: criteria provided, multiple submitters, no conflicts (2 of 4 stars). 3 submissions from 3 submitters: Pathogenic (1); Likely pathogenic (2). Last evaluated 2022-06-28.

Conditions:
Congenital disorder of deglycosylation (CDDG). Identifiers: MedGen C3808991, MONDO:0031376.

Submissions (3):

Labcorp Genetics (formerly Invitae), Labcorp
Classification: Pathogenic for Congenital disorder of deglycosylation. Last evaluated: 2022-06-28. Review status: criteria provided, single submitter. Criteria: Invitae Variant Classification Sherloc (09022015). Collection method: clinical testing. Allele origin: germline.
Comment: This variant has not been reported in the literature in individuals affected with NGLY1-related conditions. For these reasons, this variant has been classified as Pathogenic. ClinVar contains an entry for this variant (Variation ID: 666353). This variant is not present in population databases (gnomAD no frequency). This sequence change creates a premature translational stop signal (p.His494Leufs*14) in the NGLY1 gene. It is expected to result in an absent or disrupted protein product. Loss-of-function variants in NGLY1 are known to be pathogenic (PMID: 24651605).

GeneDx
Classification: Likely pathogenic. Last evaluated: 2019-03-18. Review status: criteria provided, single submitter. Criteria: GeneDx Variant Classification (06012015). Collection method: clinical testing. Allele origin: germline. Affected: yes.
Comment: A variant that is likely pathogenic has been identified in the NGLY1 gene. The c.1481_1488delACCTTTGT variant has not been published as a pathogenic variant, nor has it been reported as a benign variant to our knowledge. The c.1481_1488delACCTTTGT variant is not observed in large population cohorts (Lek et al., 2016). The c.1481_1488delACCTTTGT variant causes a frameshift starting with codon Histidine 494, changes this amino acid to a Leucine residue and creates a premature Stop codon at position 14 of the new reading frame, denoted p.His494LeufsX14. This likely pathogenic variant is predicted to cause loss of normal protein function either through protein truncation or nonsense-mediated mRNA decay. Therefore, this variant is likely pathogenic; however, the possibility that it is benign cannot be excluded.

Equipe Genetique des Anomalies du Developpement, Université de Bourgogne
Classification: Likely pathogenic for Congenital disorder of deglycosylation 1. Last evaluated: 2015-01-01. Review status: criteria provided, single submitter. Criteria: ACMG Guidelines, 2007. Collection method: clinical testing. Allele origin: inherited. Affected: yes.

Literature cited by the submitters: PubMed 24651605 (cited by Labcorp Genetics (formerly Invitae), Labcorp).

NM_018297.4(NGLY1):c.1481_1488del (p.His494fs)

Gene: NGLY1 (N-glycanase 1; minus strand). Cytogenetic location: 3p24.2.
Variant type: Deletion.
Coding change: c.1481_1488del on transcript NM_018297.4 (MANE Select); coding-DNA positions 1481 to 1488, 8 bases deleted (ACCTTTGT; older notation c.1481_1488delACCTTTGT).
Protein change: p.His494fs; shifts the reading frame from histidine 494.
Molecular consequence: frameshift variant.
Genome position (GRCh38, 1-based): chr3:25,729,256-25,729,263, ACAAAGGT deleted on the plus strand (ACCTTTGT on the coding strand, the reverse complement: NGLY1 is on the minus strand). VCF-style (leftmost placement, unchanged base first): chr3-25729255-AACAAAGGT-A. GRCh37 (hg19) VCF-style: chr3-25770746-AACAAAGGT-A.
Other names: c.1427_1434del, p.His476fs (NM_001145293.2); c.1355_1362del, p.His452fs (NM_001145294.2); c.1481_1488del, p.His494fs (NM_001145295.2); short protein forms H494fs, H452fs, H476fs.
Identifiers: ClinVar variation 666353 (VCV000666353.8), dbSNP rs1575612023, ClinGen allele CA915941889.